The following is an entry in ClinVar:

NM_020822.3(KCNT1):c.3503-15C>T

Gene: KCNT1 (potassium sodium-activated channel subfamily T member 1; plus strand). Cytogenetic location: 9q34.3.
Variant type: single nucleotide variant.
Coding change: c.3503-15C>T on transcript NM_020822.3 (MANE Select); 15 bases into the intron before coding-DNA position 3503, C replaced by T.
Molecular consequence: intron variant.
Genome position (GRCh38, 1-based): chr9:135,791,782, C>T. VCF-style: chr9-135791782-C-T. GRCh37 (hg19) VCF-style: chr9-138683628-C-T.
Other names: c.3431-15C>T (NM_001272003.2).
Identifiers: ClinVar variation 513422 (VCV000513422.11), dbSNP rs373596158, ClinGen allele CA5327929.

ClinVar aggregate classification (germline): Likely benign. Review status: criteria provided, multiple submitters, no conflicts (2 of 4 stars). 5 submissions from 4 submitters: Likely benign (5). Last evaluated 2026-01-28.

Conditions:
Developmental and epileptic encephalopathy, 14 (DEE14). Also called: Early infantile epileptic encephalopathy 14. Identifiers: Orphanet 293181, MedGen C3554195, MONDO:0013989, OMIM 614959.
Autosomal dominant nocturnal frontal lobe epilepsy 5. Also called: Epilepsy, nocturnal frontal lobe, 5; KCNT1-Related Epilepsy; CILIARY DYSKINESIA, PRIMARY, 28, WITHOUT SITUS INVERSUS; CILIARY DYSKINESIA, PRIMARY, 28, WITH SITUS INVERSUS. Identifiers: Orphanet 98784, MedGen C3554306, MONDO:0014002, OMIM 615005.

Allele frequency attached by ClinVar (database versions not stated): gnomAD 0.00001 and 0.00003; gnomAD exomes 0.00001 and 0.00002; ExAC 0.00002; TOPMed 0.00006; ESP Exome Variant Server 0.00008.
gnomAD v4.1: 24 of 1,611,968 alleles (0.0015%); highest among the groups gnomAD compares: Middle Eastern, 0.016%; no homozygotes.

Submissions (5):

Labcorp Genetics (formerly Invitae), Labcorp
Classification: Likely benign for Autosomal dominant nocturnal frontal lobe epilepsy 5; Developmental and epileptic encephalopathy, 14. Last evaluated: 2026-01-28. Review status: criteria provided, single submitter. Criteria: Invitae Variant Classification Sherloc (09022015). Collection method: clinical testing. Allele origin: germline.

Blueprint Genetics
Classification: Likely benign. Last evaluated: 2024-10-22. Review status: criteria provided, single submitter. Criteria: ACMG Guidelines, 2015. Collection method: clinical testing. Allele origin: germline.

Genome-Nilou Lab
Classification: Likely benign for Developmental and epileptic encephalopathy, 14. Last evaluated: 2022-03-15. Review status: criteria provided, single submitter. Criteria: ACMG Guidelines, 2015. Collection method: clinical testing. Allele origin: germline. Affected: no.

Genome-Nilou Lab
Classification: Likely benign for Autosomal dominant nocturnal frontal lobe epilepsy 5. Last evaluated: 2022-03-15. Review status: criteria provided, single submitter. Criteria: ACMG Guidelines, 2015. Collection method: clinical testing. Allele origin: germline. Affected: no.

GeneDx
Classification: Likely benign. Last evaluated: 2017-11-21. Review status: criteria provided, single submitter. Criteria: GeneDx Variant Classification (06012015). Collection method: clinical testing. Allele origin: germline. Affected: yes.
Comment: This variant is considered likely benign or benign based on one or more of the following criteria: it is a conservative change, it occurs at a poorly conserved position in the protein, it is predicted to be benign by multiple in silico algorithms, and/or has population frequency not consistent with disease.